The following is an entry in ClinVar:

NM_152564.5(VPS13B):c.8177G>A (p.Gly2726Asp)

Gene: VPS13B (vacuolar protein sorting 13 homolog B; plus strand). Cytogenetic location: 8q22.2.
Variant type: single nucleotide variant.
Coding change: c.8177G>A on transcript NM_152564.5 (MANE Select); coding-DNA position 8177, G replaced by A.
Protein change: p.Gly2726Asp; replaces glycine 2726 with aspartic acid.
Molecular consequence: missense variant.
Genome position (GRCh38, 1-based): chr8:99,817,619, G>A. VCF-style: chr8-99817619-G-A. GRCh37 (hg19) VCF-style: chr8-100829847-G-A.
Other names: c.8177G>A (NM_152564.4); c.8252G>A (NM_017890.3); c.8252G>A, p.Gly2751Asp (NM_017890.5); short protein forms G2751D, G2726D.
Identifiers: ClinVar variation 851763 (VCV000851763.10), dbSNP rs376283724, ClinGen allele CA4824405.
Genomic context (GRCh38, chr8:99,817,619, plus strand): 5'-AGATCATCTGTAGTTACTTGTCTCAAAGCATAGAACTAAAAGTCGTTCAGCATTACATTG[G>A]TCAAGATGGACAAGCTGTAGTTCGGGAACATTTTGACTGCCTCACAGCCAAACAGAAATT-3'
Protein context (NP_689777.3, residues 2716-2736): IELKVVQHYI[Gly2726Asp]QDGQAVVREH

ClinVar aggregate classification (germline): Uncertain significance. Review status: criteria provided, multiple submitters, no conflicts (2 of 4 stars). 4 submissions from 4 submitters: Uncertain significance (2). 2 of the submissions do not count toward it. Last evaluated 2024-10-20.

Conditions:
VPS13B-related disorder. Also called: VPS13B-related condition.
Inborn genetic diseases. Identifiers: MedGen C0950123, MeSH D030342.
Cohen syndrome (COH1). Also called: PEPPER SYNDROME; Cutis verticis gyrata, retinitis pigmentosa, and sensorineural deafness. Identifiers: Orphanet 193, MedGen C0265223, MONDO:0008999, OMIM 216550.

Allele frequency attached by ClinVar (database versions not stated): gnomAD exomes 0.00002; ExAC 0.00003; gnomAD 0.00006 and 0.00007; TOPMed 0.00007; ESP Exome Variant Server 0.00008; 1000 Genomes Project 30x 0.00016; 1000 Genomes Project 0.00020.
gnomAD v4.1: 14 of 1,613,990 alleles (0.00087%); highest among the groups gnomAD compares: African/African-American, 0.016%; no homozygotes.

Submissions (4):

Ambry Genetics
Classification: Uncertain significance for Inborn genetic diseases. Last evaluated: 2024-10-20. Review status: criteria provided, single submitter. Criteria: Ambry Variant Classification Scheme 2023. Collection method: clinical testing. Allele origin: germline.

Labcorp Genetics (formerly Invitae), Labcorp
Classification: Uncertain significance for Cohen syndrome. Last evaluated: 2024-06-07. Review status: criteria provided, single submitter. Criteria: Invitae Variant Classification Sherloc (09022015). Collection method: clinical testing. Allele origin: germline.
Comment: This sequence change replaces glycine, which is neutral and non-polar, with aspartic acid, which is acidic and polar, at codon 2751 of the VPS13B protein (p.Gly2751Asp). This variant is present in population databases (rs376283724, gnomAD 0.02%). This variant has not been reported in the literature in individuals affected with VPS13B-related conditions. ClinVar contains an entry for this variant (Variation ID: 851763). Advanced modeling of protein sequence and biophysical properties (such as structural, functional, and spatial information, amino acid conservation, physicochemical variation, residue mobility, and thermodynamic stability) performed at Invitae indicates that this missense variant is expected to disrupt VPS13B protein function with a positive predictive value of 80%. In summary, the available evidence is currently insufficient to determine the role of this variant in disease. Therefore, it has been classified as a Variant of Uncertain Significance.

PreventionGenetics, part of Exact Sciences
Classification: Uncertain significance for VPS13B-related condition. Last evaluated: 2024-09-20. Review status: no assertion criteria provided. Collection method: clinical testing. Allele origin: germline. Not counted in ClinVar's aggregate classification.
Comment: The VPS13B c.8177G>A variant is predicted to result in the amino acid substitution p.Gly2726Asp. To our knowledge, this variant has not been reported in the literature. This variant is reported in 0.020% of alleles in individuals of African descent in gnomAD. At this time, the clinical significance of this variant is uncertain due to the absence of conclusive functional and genetic evidence.

Natera, Inc.
Classification: Uncertain significance for Cohen syndrome. Last evaluated: 2021-08-05. Review status: no assertion criteria provided. Collection method: clinical testing. Allele origin: germline. Not counted in ClinVar's aggregate classification.